The following is an entry in ClinVar:

NM_007294.4(BRCA1):c.107C>A (p.Ser36Tyr)

Gene: BRCA1 (BRCA1 DNA repair associated; minus strand). Cytogenetic location: 17q21.31.
Variant type: single nucleotide variant.
Coding change: c.107C>A on transcript NM_007294.4 (MANE Select); coding-DNA position 107, C replaced by A.
Protein change: p.Ser36Tyr; replaces serine 36 with tyrosine.
Molecular consequence: missense variant. On other transcripts: non-coding transcript variant (1), intron variant (1).
Genome position (GRCh38, 1-based): chr17:43,115,753, G>T on the plus strand (C>A on the coding strand, the complement: BRCA1 is on the minus strand). VCF-style: chr17-43115753-G-T. GRCh37 (hg19) VCF-style: chr17-41267770-G-T.
Other names: c.-82C>A (NM_001407571.1, NM_001407853.1, NM_001407879.1 and 52 more transcripts); c.107C>A, p.Ser36Tyr (NM_001407581.1, NM_001407582.1, NM_001407583.1 and 192 more transcripts); c.-151C>A (NM_001407694.1, NM_001407696.1, NM_001407724.1 and 13 more transcripts); c.-155C>A (NM_001407695.1, NM_001408465.1); c.-35C>A (NM_001407697.1, NM_001407725.1, NM_001407728.1 and 47 more transcripts); c.-31C>A (NM_001407841.1); c.-198C>A (NM_001407889.1, NM_001407900.1, NM_001408492.1); c.-197C>A (NM_001407960.1, NM_001407962.1, NM_001408510.1 and 1 more transcripts); and 2 more; short protein forms S36Y.
Identifiers: ClinVar variation 219742 (VCV000219742.36), dbSNP rs183557525, ClinGen allele CA052433.

ClinVar aggregate classification (germline): Conflicting classifications of pathogenicity. Review status: criteria provided, conflicting classifications (1 of 4 stars). 16 submissions from 16 submitters: Uncertain significance (14); Benign (1); Likely benign (1). Last evaluated 2026-07-14.

Conditions:
Hereditary cancer-predisposing syndrome. Also called: Tumor predisposition; Hereditary Cancer Syndrome; Neoplastic Syndromes, Hereditary; Hereditary neoplastic syndrome. Identifiers: Orphanet 140162, MedGen C0027672, MeSH D009386, MONDO:0015356.
Hereditary breast ovarian cancer syndrome. Also called: Breast and ovarian cancer; Hereditary breast and ovarian cancer; Hereditary breast and ovarian cancer syndrome; Hereditary breast and/or ovarian cancer syndrome; BRCA1- and BRCA2-Associated Hereditary Breast and Ovarian Cancer; Hereditary breast and ovarian cancer syndrome (HBOC). Identifiers: Orphanet 145, MedGen C0677776, MeSH D061325, MONDO:0003582. Disease mechanism: loss of function.
Breast-ovarian cancer, familial, susceptibility to, 1 (BROVCA1). Also called: BRCA1 Hereditary Breast and Ovarian Cancer; OVARIAN CANCER, SUSCEPTIBILITY TO. Identifiers: Orphanet 145, MedGen C2676676, MONDO:0011450, OMIM 604370. Disease mechanism: loss of function.
Familial cancer of breast. Also called: BREAST CANCER, FAMILIAL; hereditary breast carcinoma; Hereditary breast cancer. Identifiers: Orphanet 227535, MedGen C0346153, MONDO:0016419, OMIM 114480. Disease mechanism: loss of function.
Fanconi anemia, complementation group S (FANCS). Identifiers: MedGen C4554406, MONDO:0054748, OMIM 617883.
BRCA1-related cancer predisposition. Identifiers: MedGen CN377757, MONDO:0700268.

Allele frequency attached by ClinVar (database versions not stated): gnomAD exomes below 0.00001; ExAC 0.00001; 1000 Genomes Project 30x 0.00016; 1000 Genomes Project 0.00020.
gnomAD v4.1: 1 of 1,613,704 alleles (0.000062%); no homozygotes.

Submissions 1 to 8 of 16:

German Consortium for Hereditary Breast and Ovarian Cancer, University Hospital Cologne
Classification: Benign for Hereditary breast ovarian cancer syndrome. Last evaluated: 2026-07-14. Review status: criteria provided, single submitter. Criteria: ClinGen BRCA1 1.2.0. Collection method: curation. Allele origin: germline.
Comment: This classification follows the ClinGen ENIGMA BRCA1 v1.2.0 classification scheme; We chose these criteria: PM2 (supporting pathogenic): Absent from controls in an outbred population, from gnomAD v2.1 (non-cancer, exome only subset) and gnomAD v3.1 (non-cancer), PP3 (supporting pathogenic): missense variant inside a (potentially) clinically important functional domain & BayesDel (no AF) = 0.47 (thus > 0.28), BP5 (very strong benign): Zanti (2025, PMID: 40413188): LR = 0.002298831 (thus 0.00285:1) Li (2020, PMID: 31853058): LR = -0.031082004, BS3 (strong benign): Reported by one calibrated study to exhibit protein function similar to benign control variants (PMID:32546644) (BS3 met).

Center for Genomic Medicine, Rigshospitalet, Copenhagen University Hospital
Classification: Uncertain significance. Last evaluated: 2025-12-29. Review status: criteria provided, single submitter. Criteria: ACMG Guidelines, 2015. Collection method: clinical testing. Allele origin: germline.
Comment: Classification criteria: PP3, PM2_supporting

Labcorp Genetics (formerly Invitae), Labcorp
Classification: Uncertain significance for Hereditary breast ovarian cancer syndrome. Last evaluated: 2025-12-29. Review status: criteria provided, single submitter. Criteria: Invitae Variant Classification Sherloc (09022015). Collection method: clinical testing. Allele origin: germline.
Comment: This sequence change replaces serine, which is neutral and polar, with tyrosine, which is neutral and polar, at codon 36 of the BRCA1 protein (p.Ser36Tyr). This variant is present in population databases (rs183557525, gnomAD 0.0009%). This missense change has been observed in individual(s) with clinical features of hereditary breast and ovarian cancer syndrome (PMID: 21735045, 24695549, 30675319). ClinVar contains an entry for this variant (Variation ID: 219742). Invitae Evidence Modeling of protein sequence and biophysical properties (such as structural, functional, and spatial information, amino acid conservation, physicochemical variation, residue mobility, and thermodynamic stability) indicates that this missense variant is expected to disrupt BRCA1 protein function with a positive predictive value of 80%. Experimental studies are conflicting or provide insufficient evidence to determine the effect of this variant on BRCA1 function (PMID: 24695549, 25823446, 26689913, 30696104). In summary, the available evidence is currently insufficient to determine the role of this variant in disease. Therefore, it has been classified as a Variant of Uncertain Significance.

Department of Clinical Genetics, Copenhagen University Hospital, Rigshospitalet
Classification: Uncertain significance for Familial cancer of breast. Last evaluated: 2025-12-10. Review status: criteria provided, single submitter. Criteria: ACMG Guidelines, 2015. Collection method: clinical testing. Allele origin: germline.
Comment: The following ACMG criteria has been used: PM2_SUP (not reported in non-founder populations in gnomAD v.2.1 (non-cancer) or v.3.1 (non-cancer)); PP3 (BayesDel no-AF score ≥0.28)

Ambry Genetics
Classification: Uncertain significance for Hereditary cancer-predisposing syndrome. Last evaluated: 2025-08-21. Review status: criteria provided, single submitter. Criteria: Ambry Variant Classification Scheme 2023. Collection method: clinical testing. Allele origin: germline.
Comment: The p.S36Y variant (also known as c.107C>A), located in coding exon 2 of the BRCA1 gene, results from a C to A substitution at nucleotide position 107. The serine at codon 36 is replaced by tyrosine, an amino acid with dissimilar properties. This alteration has been reported in a cohort of Lebanese individuals referred for BRCA1/2 testing (Farra C et al. Hered Cancer Clin Pract, 2019 Jan;17:4), as well as Cypriot populations in both familial and sporadic breast cancer patients (Christou CM et al. PLoS ONE. 2014 Apr;9(4):e93400; Hadjisavvas A et al. BMC Cancer. 2010 Aug;10:447). A detailed functional analysis including protein expression, co-immunoprecipitation, and co-localization analysis indicates that this variant is defective, however, studies disagree about the BARD1 binding defect (Christou CM et al. PLoS ONE. 2014 Apr;9(4):e93400; Starita LM et al. Genetics. 2015 Jun;200(2):413-22). Additionally, this alteration was found to be neutral in drug sensitivity, homologous recombination repair, and mammalian two-hybrid assays (Bouwman P et al. Clin Cancer Res, 2020 09;26:4559-4568; Clark, KA et al. Am J Hum Genet 2022 06;109(6):1153-1174). This amino acid position is highly conserved in available vertebrate species. In addition, this alteration is predicted to be deleterious by in silico analysis. Since supporting evidence is conflicting at this time, the clinical significance of this alteration remains unclear.

Women's Health and Genetics/Laboratory Corporation of America, LabCorp
Classification: Uncertain significance. Last evaluated: 2025-08-18. Review status: criteria provided, single submitter. Criteria: LabCorp Variant Classification Summary - May 2015. Collection method: clinical testing. Allele origin: germline.
Comment: Variant summary: BRCA1 c.107C>A (p.Ser36Tyr) results in a non-conservative amino acid change located in the Zinc finger, RING-type domain (IPR001841) of the encoded protein sequence. The variant allele was found at a frequency of 2e-05 in 253208 control chromosomes. The available data on variant occurrences in the general population are insufficient to allow any conclusion about variant significance. c.107C>A has been observed in individual(s) affected with Hereditary Breast And Ovarian Cancer Syndrome (Christou_2014, Farra_2019). These reports do not provide unequivocal conclusions about association of the variant with Hereditary Breast And Ovarian Cancer Syndrome. Functional studies reported contradicting outcomes of the variant on the function of BRCA1 (Christou_2014, Lu_2015, Starita_2015, Bouwman_2020). The following publications have been ascertained in the context of this evaluation (PMID: 32546644, 30696104, 24695549, 35659930, 30675319, 26689913, 21735045, 25823446). ClinVar contains an entry for this variant (Variation ID: 219742). Based on the evidence outlined above, the variant was classified as uncertain significance.

Genomic Medicine Center of Excellence, King Faisal Specialist Hospital and Research Centre
Classification: Uncertain significance for Breast-ovarian cancer, familial, susceptibility to, 1. Last evaluated: 2024-12-18. Review status: criteria provided, single submitter. Criteria: ACMG Guidelines, 2015. Collection method: clinical testing. Allele origin: germline.

Department of Pathology and Laboratory Medicine, Sinai Health System
Classification: Uncertain significance for Fanconi anemia, complementation group S. Last evaluated: 2024-10-31. Review status: criteria provided, single submitter. Criteria: ACMG Guidelines, 2015. Collection method: clinical testing. Allele origin: germline.